The following is an entry in ClinVar:

NM_000051.4(ATM):c.3778del (p.Leu1259_Val1260insTer)

Gene: ATM (ATM serine/threonine kinase; plus strand). Cytogenetic location: 11q22.3.
Variant type: Deletion.
Coding change: c.3778del on transcript NM_000051.4 (MANE Select); coding-DNA position 3778, one base deleted (G; older notation c.3778delG).
Protein change: p.Leu1259_Val1260insTer.
Molecular consequence: nonsense.
Genome position (GRCh38, 1-based): chr11:108,284,258, G deleted; the last of 2 consecutive G bases (chr11:108,284,257-108,284,258); deleting either gives the same sequence. VCF-style (leftmost placement, unchanged base first): chr11-108284256-TG-T. GRCh37 (hg19) VCF-style: chr11-108154983-TG-T.
Other names: c.3778del, p.Leu1259_Val1260insTer (NM_001351834.2).
Identifiers: ClinVar variation 922299 (VCV000922299.3), dbSNP rs2082375273, ClinGen allele CA1139662231.

ClinVar aggregate classification (germline): Pathogenic (1 of 4 stars; one submission).

Conditions:
Hereditary cancer-predisposing syndrome. Also called: Neoplastic Syndromes, Hereditary; Tumor predisposition; Hereditary Cancer Syndrome; Hereditary neoplastic syndrome. Identifiers: Orphanet 140162, MedGen C0027672, MeSH D009386, MONDO:0015356.

Submission:

Color Diagnostics, LLC DBA Color Health
Classification: Pathogenic for Hereditary cancer-predisposing syndrome. Last evaluated: 2019-07-29. Review status: criteria provided, single submitter. Criteria: ACMG Guidelines, 2015. Collection method: clinical testing. Allele origin: germline.
Comment: This variant deletes 1 nucleotide in exon 26 of the ATM gene, creating a frameshift and premature translation stop signal. This variant is expected to result in an absent or non-functional protein product. Computational splicing tools suggest that this variant may not impact RNA splicing. To our knowledge, functional assays have not been performed for this variant nor has this variant been reported in individuals affected with hereditary cancer in the literature. This variant has not been identified in the general population by the Genome Aggregation Database (gnomAD). Loss of ATM function is a known mechanism of disease. Based on available evidence, this variant is classified as Pathogenic.